The following is an entry in ClinVar:

NM_000038.6(APC):c.6276A>G (p.Leu2092=)

Gene: APC (APC regulator of Wnt signaling pathway; plus strand). Cytogenetic location: 5q22.2.
Variant type: single nucleotide variant.
Coding change: c.6276A>G on transcript NM_000038.6 (MANE Select); coding-DNA position 6276, A replaced by G.
Protein change: p.Leu2092=; no amino-acid change (leucine 2092 retained).
Molecular consequence: synonymous variant.
Genome position (GRCh38, 1-based): chr5:112,841,870, A>G. VCF-style: chr5-112841870-A-G. GRCh37 (hg19) VCF-style: chr5-112177567-A-G.
Other names: c.6276A>G, p.Leu2092= (NM_001127510.3, NM_001354895.2); c.6222A>G, p.Leu2074= (NM_001127511.3); c.6330A>G, p.Leu2110= (NM_001354896.2); c.6306A>G, p.Leu2102= (NM_001354897.2); c.6201A>G, p.Leu2067= (NM_001354898.2); c.6192A>G, p.Leu2064= (NM_001354899.2); c.6153A>G, p.Leu2051= (NM_001354900.2); c.6099A>G, p.Leu2033= (NM_001354901.2); and 5 more.
Identifiers: ClinVar variation 391099 (VCV000391099.46), dbSNP rs548566231, ClinGen allele CA044281.

ClinVar aggregate classification (germline): Benign/Likely benign. Review status: criteria provided, multiple submitters, no conflicts (2 of 4 stars). 8 submissions from 8 submitters: Benign (1); Likely benign (7). Last evaluated 2026-01-18.

Conditions:
Hereditary cancer-predisposing syndrome. Also called: Neoplastic Syndromes, Hereditary; Hereditary neoplastic syndrome; Tumor predisposition; Hereditary Cancer Syndrome. Identifiers: Orphanet 140162, MedGen C0027672, MeSH D009386, MONDO:0015356.
Familial adenomatous polyposis 1 (FAP1). Also called: POLYPOSIS, ADENOMATOUS INTESTINAL; FAMILIAL ADENOMATOUS POLYPOSIS 1, ATTENUATED. Identifiers: MedGen C2713442, MONDO:0021056, OMIM 175100. Disease mechanism: loss of function.
Classic or attenuated familial adenomatous polyposis. Identifiers: MedGen CN372698, MONDO:0021057.

Allele frequency attached by ClinVar (database versions not stated): 1000 Genomes Project below 0.00001; TOPMed below 0.00001; gnomAD exomes 0.00002; ExAC 0.00003.
gnomAD v4.1: 29 of 1,613,852 alleles (0.0018%); highest among the groups gnomAD compares: Middle Eastern, 0.016%; 2 homozygotes.

Submissions (8):

Labcorp Genetics (formerly Invitae), Labcorp
Classification: Likely benign for Familial adenomatous polyposis 1. Last evaluated: 2026-01-18. Review status: criteria provided, single submitter. Criteria: Invitae Variant Classification Sherloc (09022015). Collection method: clinical testing. Allele origin: germline.

All of Us Research Program, National Institutes of Health
Classification: Likely benign for Classic or attenuated familial adenomatous polyposis. Last evaluated: 2024-04-25. Review status: criteria provided, single submitter. Criteria: ACMG Guidelines, 2015. Collection method: clinical testing. Allele origin: germline. Inheritance: Autosomal dominant inheritance. Observed: 5 variant alleles, 5 heterozygotes.
Comment: This study involves interpretation of variants in research participants for the purpose of population health screening. Participant phenotype was not available at the time of variant classification. Additional details can be found in publication PMID: 35346344, PMCID: PMC8962531

Myriad Genetics, Inc.
Classification: Benign for Familial adenomatous polyposis 1. Last evaluated: 2024-04-04. Review status: criteria provided, single submitter. Criteria: Myriad Autosomal Dominant, Autosomal Recessive and X-Linked Classification Criteria (2023). Collection method: clinical testing. Allele origin: unknown.
Comment: This variant is considered benign. This variant is a silent/synonymous amino acid change and it is not expected to impact splicing.

CeGaT Center for Human Genetics Tuebingen
Classification: Likely benign. Last evaluated: 2023-12-01. Review status: criteria provided, single submitter. Criteria: CeGaT Center For Human Genetics Tuebingen Variant Classification Criteria Version 2. Collection method: clinical testing. Allele origin: germline. Affected: yes. Observed: 1 variant allele.
Comment: APC: BP4, BP7

KCCC/NGS Laboratory, Kuwait Cancer Control Center
Classification: Likely benign for Familial adenomatous polyposis 1. Last evaluated: 2023-07-07. Review status: criteria provided, single submitter. Criteria: ACMG Guidelines, 2015. Collection method: clinical testing. Allele origin: germline. Affected: yes.

GeneDx
Classification: Likely benign. Last evaluated: 2019-05-09. Review status: criteria provided, single submitter. Criteria: GeneDx Variant Classification Process June 2021. Collection method: clinical testing. Allele origin: germline. Affected: yes.

Color Diagnostics, LLC DBA Color Health
Classification: Likely benign for Hereditary cancer-predisposing syndrome. Last evaluated: 2016-06-27. Review status: criteria provided, single submitter. Criteria: ACMG Guidelines, 2015. Collection method: clinical testing. Allele origin: germline.

Ambry Genetics
Classification: Likely benign for Hereditary cancer-predisposing syndrome. Last evaluated: 2016-04-07. Review status: criteria provided, single submitter. Criteria: Ambry Variant Classification Scheme 2023. Collection method: clinical testing. Allele origin: germline.